The following is an entry in ClinVar:

ClinVar aggregate classification (germline): Likely benign (1 of 4 stars; one submission).

Allele frequency attached by ClinVar (database versions not stated): 1000 Genomes Project 0.00100; 1000 Genomes Project 30x 0.00109; TOPMed 0.00240.
gnomAD v4.1: 639 of 150,242 alleles (0.43%); highest among the groups gnomAD compares: Middle Eastern, 0.68%; 4 homozygotes.

Submission:

GeneDx
Classification: Likely benign. Last evaluated: 2018-06-14. Review status: criteria provided, single submitter. Criteria: GeneDx Variant Classification (06012015). Collection method: clinical testing. Allele origin: germline. Affected: yes.
Comment: This variant is considered likely benign or benign based on one or more of the following criteria: it is a conservative change, it occurs at a poorly conserved position in the protein, it is predicted to be benign by multiple in silico algorithms, and/or has population frequency not consistent with disease.

NM_001605.3(AARS1):c.962+165C>A

Gene: AARS1 (alanyl-tRNA synthetase 1; minus strand). Cytogenetic location: 16q22.1.
Variant type: single nucleotide variant.
Coding change: c.962+165C>A on transcript NM_001605.3 (MANE Select); 165 bases into the intron after coding-DNA position 962, C replaced by A.
Molecular consequence: intron variant.
Genome position (GRCh38, 1-based): chr16:70,269,453, G>T on the plus strand (C>A on the coding strand, the complement: AARS1 is on the minus strand). VCF-style: chr16-70269453-G-T. GRCh37 (hg19) VCF-style: chr16-70303356-G-T.
Identifiers: ClinVar variation 677035 (VCV000677035.1), dbSNP rs548335940, ClinGen allele CA283439700.
Genomic context (GRCh38, chr16:70,269,453, plus strand): 5'-CAGGCGTGGTGGTGTGCACCTATAATCCCAGCTACGTGGGAGGCTGAGGCAGAATCACTT[G>T]AACCCAGCAGGCAGAGGTTGCAGTGAGGCAAGATCACGCCATTGTACTCCAGCCTGGGCA-3'